The following is an entry in ClinVar:

ClinVar aggregate classification (germline): Uncertain significance (1 of 4 stars; one submission).

gnomAD v4.1: 2 of 1,312,262 alleles (0.00015%); highest among the groups gnomAD compares: Non-Finnish European, 0.000097%; no homozygotes.

Submission:

GeneDx
Classification: Uncertain significance. Last evaluated: 2023-11-07. Review status: criteria provided, single submitter. Criteria: GeneDx Variant Classification Process June 2021. Collection method: clinical testing. Allele origin: germline. Affected: yes.
Comment: Reported in an individual with epilepsy and intellectual disability who inherited this variant from a parent for whom clinical information was not provided (PMID: 33486335); Not observed at significant frequency in large population cohorts (gnomAD); In silico analysis supports that this missense variant does not alter protein structure/function; This variant is associated with the following publications: (PMID: 33486335)

NM_019842.4(KCNQ5):c.103G>C (p.Gly35Arg)

Genes: KCNQ5 (potassium voltage-gated channel subfamily Q member 5; plus strand), KCNQ5-DT (KCNQ5 divergent transcript; minus strand), LOC129996711 (ATAC-STARR-seq lymphoblastoid silent region 17329; plus strand). Cytogenetic location: 6q13.
Variant type: single nucleotide variant.
Coding change: c.103G>C on transcript NM_019842.4 (MANE Select); coding-DNA position 103, G replaced by C.
Protein change: p.Gly35Arg; replaces glycine 35 with arginine.
Molecular consequence: missense variant.
Genome position (GRCh38, 1-based): chr6:72,622,292, G>C. VCF-style: chr6-72622292-G-C. GRCh37 (hg19) VCF-style: chr6-73332020-G-C.
Other names: c.103G>C, p.Gly35Arg (NM_001160130.2, NM_001160132.2, NM_001160133.2 and 1 more transcripts); short protein forms G35R.
Identifiers: ClinVar variation 3363831 (VCV003363831.1).
Genomic context (GRCh38, chr6:72,622,292, plus strand): 5'-GGGCTCTGGGTGAAGAGCGGCGCAGCGGCGGCGGCGGCGGGCGGGGGGCGCTTGGGCAGC[G>C]GCATGAAGGATGTGGAGTCCGGCCGGGGCAGGGTGCTGCTGAACTCGGCAGCCGCCAGGG-3'
Protein context (NP_062816.2, residues 25-45): AAAGGGRLGS[Gly35Arg]MKDVESGRGR